The following is an entry in ClinVar:

ClinVar aggregate classification (germline): Uncertain significance (1 of 4 stars; one submission).

Allele frequency attached by ClinVar (database versions not stated): TOPMed below 0.00001.
gnomAD v4.1: 1 of 1,293,744 alleles (0.000077%); no homozygotes.

Submission:

Labcorp Genetics (formerly Invitae), Labcorp
Classification: Uncertain significance. Last evaluated: 2025-11-17. Review status: criteria provided, single submitter. Criteria: Invitae Variant Classification Sherloc (09022015). Collection method: clinical testing. Allele origin: germline.
Comment: This sequence change replaces arginine, which is basic and polar, with glutamine, which is neutral and polar, at codon 44 of the LRRK1 protein (p.Arg44Gln). This variant is not present in population databases (gnomAD no frequency). This variant has not been reported in the literature in individuals affected with LRRK1-related conditions. ClinVar contains an entry for this variant (Variation ID: 2076721). An algorithm developed to predict the effect of missense changes on protein structure and function (PolyPhen-2) suggests that this variant is likely to be tolerated. In summary, the available evidence is currently insufficient to determine the role of this variant in disease. Therefore, it has been classified as a Variant of Uncertain Significance.

NM_024652.6(LRRK1):c.131G>A (p.Arg44Gln)

Gene: LRRK1 (leucine rich repeat kinase 1; plus strand). Cytogenetic location: 15q26.3.
Variant type: single nucleotide variant.
Coding change: c.131G>A on transcript NM_024652.6 (MANE Select); coding-DNA position 131, G replaced by A.
Protein change: p.Arg44Gln; replaces arginine 44 with glutamine.
Molecular consequence: missense variant.
Genome position (GRCh38, 1-based): chr15:100,973,837, G>A. VCF-style: chr15-100973837-G-A. GRCh37 (hg19) VCF-style: chr15-101514042-G-A.
Other names: short protein forms R44Q.
Identifiers: ClinVar variation 2076721 (VCV002076721.4), dbSNP rs2031116479, ClinGen allele CA393949941.